The following is an entry in ClinVar:

NM_021072.4(HCN1):c.2165C>T (p.Pro722Leu)

Gene: HCN1 (hyperpolarization activated cyclic nucleotide gated potassium channel 1; minus strand). Cytogenetic location: 5p12.
Variant type: single nucleotide variant.
Coding change: c.2165C>T on transcript NM_021072.4 (MANE Select); coding-DNA position 2165, C replaced by T.
Protein change: p.Pro722Leu; replaces proline 722 with leucine.
Molecular consequence: missense variant.
Genome position (GRCh38, 1-based): chr5:45,262,429, G>A on the plus strand (C>T on the coding strand, the complement: HCN1 is on the minus strand). VCF-style: chr5-45262429-G-A. GRCh37 (hg19) VCF-style: chr5-45262531-G-A.
Other names: short protein forms P722L.
Identifiers: ClinVar variation 1325609 (VCV001325609.6), dbSNP rs2111839334, ClinGen allele CA359703917.

ClinVar aggregate classification (germline): Uncertain significance. Review status: criteria provided, multiple submitters, no conflicts (2 of 4 stars). 3 submissions from 3 submitters: Uncertain significance (3). Last evaluated 2024-11-11.

Conditions:
Early-infantile DEE. Also called: Early infantile epileptic encephalopathy; Early infantile epileptic encephalopathy with suppression bursts; Ohtahara syndrome. Identifiers: Orphanet 1934, MedGen C0393706, MONDO:0800491.
Generalized epilepsy with febrile seizures plus, type 10. Also called: GEFS+, TYPE 10. Identifiers: MedGen C5193120, MONDO:0032777, OMIM 618482.
Developmental and epileptic encephalopathy, 24 (DEE24). Also called: Epileptic encephalopathy, early infantile, 24. Identifiers: Orphanet 442835, MedGen C4014531, MONDO:0014377, OMIM 615871.
Inborn genetic diseases. Identifiers: MedGen C0950123, MeSH D030342.

gnomAD v4.1: 1 of 1,611,646 alleles (0.000062%); highest among the groups gnomAD compares: Admixed American, 0.0017%; no homozygotes.

Submissions (3):

Ambry Genetics
Classification: Uncertain significance for Inborn genetic diseases. Last evaluated: 2024-11-11. Review status: criteria provided, single submitter. Criteria: Ambry Variant Classification Scheme 2023. Collection method: clinical testing. Allele origin: germline.

Labcorp Genetics (formerly Invitae), Labcorp
Classification: Uncertain significance for Early-infantile DEE. Last evaluated: 2024-01-17. Review status: criteria provided, single submitter. Criteria: Invitae Variant Classification Sherloc (09022015). Collection method: clinical testing. Allele origin: germline.
Comment: This sequence change replaces proline, which is neutral and non-polar, with leucine, which is neutral and non-polar, at codon 722 of the HCN1 protein (p.Pro722Leu). This variant is not present in population databases (gnomAD no frequency). This variant has not been reported in the literature in individuals affected with HCN1-related conditions. ClinVar contains an entry for this variant (Variation ID: 1325609). Advanced modeling of protein sequence and biophysical properties (such as structural, functional, and spatial information, amino acid conservation, physicochemical variation, residue mobility, and thermodynamic stability) performed at Invitae indicates that this missense variant is not expected to disrupt HCN1 protein function with a negative predictive value of 80%. In summary, the available evidence is currently insufficient to determine the role of this variant in disease. Therefore, it has been classified as a Variant of Uncertain Significance.

New York Genome Center
Classification: Uncertain significance for Developmental and epileptic encephalopathy, 24; Generalized epilepsy with febrile seizures plus, type 10. Last evaluated: 2020-05-08. Review status: criteria provided, single submitter. Criteria: NYGC Assertion Criteria 2020. Collection method: clinical testing. Allele origin: inherited. Observed: 1 heterozygote. Study: CSER-NYCKidSeq.
Comment: The inherited c.2165C>T (p.Pro722Leu) variant in exon 8 of 8 of HCN1 has not been reported in affected individuals in the available literature. This variant is not present in gnomAD indicating it is not a common benign variant in the populations represented in this database. In silico predictors suggest this variant is Neutral (Provean; score: -1.84) and Tolerated (SIFT; score: 0.103). Given the conflicting evidence regarding its pathogenicity, the inherited c.2165C>T (p.Pro722Leu) variant identified in the HCN1 gene is reported as a Variant of Uncertain Significance.